The following is an entry in ClinVar:

ClinVar aggregate classification (germline): Uncertain significance (1 of 4 stars; one submission).

Conditions:
Combined immunodeficiency due to LRBA deficiency. Also called: Common variable immunodeficiency 8, with autoimmunity. Identifiers: Orphanet 445018, MedGen C3553512, MONDO:0013863, OMIM 614700.

Allele frequency attached by ClinVar (database versions not stated): TOPMed 0.00010.
gnomAD v4.1: 79 of 1,605,804 alleles (0.0049%); highest among the groups gnomAD compares: African/African-American, 0.023%; no homozygotes.

Submission:

Labcorp Genetics (formerly Invitae), Labcorp
Classification: Uncertain significance for Combined immunodeficiency due to LRBA deficiency. Last evaluated: 2023-09-12. Review status: criteria provided, single submitter. Criteria: Invitae Variant Classification Sherloc (09022015). Collection method: clinical testing. Allele origin: germline.
Comment: In summary, the available evidence is currently insufficient to determine the role of this variant in disease. Therefore, it has been classified as a Variant of Uncertain Significance. Variants that disrupt the consensus splice site are a relatively common cause of aberrant splicing (PMID: 17576681, 9536098). Algorithms developed to predict the effect of sequence changes on RNA splicing suggest that this variant is not likely to affect RNA splicing. ClinVar contains an entry for this variant (Variation ID: 858158). This variant has not been reported in the literature in individuals affected with LRBA-related conditions. This variant is present in population databases (rs746049932, gnomAD 0.02%). This sequence change falls in intron 3 of the LRBA gene. It does not directly change the encoded amino acid sequence of the LRBA protein. It affects a nucleotide within the consensus splice site.

Literature cited by the submitters: PubMed 17576681; PubMed 9536098.

NM_001364905.1(LRBA):c.448+6A>T

Gene: LRBA (LPS responsive beige-like anchor protein; minus strand). Cytogenetic location: 4q31.3.
Variant type: single nucleotide variant.
Coding change: c.448+6A>T on transcript NM_001364905.1 (MANE Select); 6 bases into the intron after coding-DNA position 448, A replaced by T.
Molecular consequence: intron variant.
Genome position (GRCh38, 1-based): chr4:150,928,828, T>A on the plus strand (A>T on the coding strand, the complement: LRBA is on the minus strand). VCF-style: chr4-150928828-T-A. GRCh37 (hg19) VCF-style: chr4-151849980-T-A.
Other names: c.448+6A>T (NM_001367550.1, NM_006726.5, NM_001199282.3 and 2 more transcripts).
Identifiers: ClinVar variation 858158 (VCV000858158.5), dbSNP rs746049932, ClinGen allele CA3103885.
Genomic context (GRCh38, chr4:150,928,828, plus strand): 5'-AAAAATATGTATTTGAAAATCAAACTTTATTTCTTTGCATATATTGTACTATAGAAAAAA[T>A]CATACCTGCTATCATATTGTCAACTTTTTCAATTTTCCCAAGCACTTTTTCAACAAGGCC-3'